The following is an entry in ClinVar:

ClinVar aggregate classification (germline): Uncertain significance. Review status: criteria provided, multiple submitters, no conflicts (2 of 4 stars). 3 submissions from 3 submitters: Uncertain significance (3). Last evaluated 2026-01-05.

Conditions:
Inborn genetic diseases. Identifiers: MedGen C0950123, MeSH D030342.
Familial juvenile hyperuricemic nephropathy type 2 (ADTKD4). Also called: Autosomal Dominant Tubulointerstitial Kidney Disease – REN; EARLY-ONSET HYPERURICEMIA, ANEMIA, AND PROGRESSIVE KIDNEY FAILURE. Identifiers: Orphanet 217330, MedGen C2751310, MONDO:0013128, OMIM 613092.
Renal tubular dysgenesis of genetic origin. Also called: PRIMITIVE RENAL TUBULE SYNDROME. Identifiers: Orphanet 97369, MedGen C5681536, MONDO:0009970, OMIM 267430.

Allele frequency attached by ClinVar (database versions not stated): ExAC 0.00002; gnomAD 0.00002; gnomAD exomes 0.00002.

Submissions (3):

Labcorp Genetics (formerly Invitae), Labcorp
Classification: Uncertain significance. Last evaluated: 2026-01-05. Review status: criteria provided, single submitter. Criteria: Invitae Variant Classification Sherloc (09022015). Collection method: clinical testing. Allele origin: germline.
Comment: This sequence change replaces arginine, which is basic and polar, with histidine, which is basic and polar, at codon 9 of the REN protein (p.Arg9His). This variant is present in population databases (rs777899883, gnomAD 0.03%). This variant has not been reported in the literature in individuals affected with REN-related conditions. ClinVar contains an entry for this variant (Variation ID: 1987903). An algorithm developed to predict the effect of missense changes on protein structure and function outputs the following: PolyPhen-2: "Benign". The histidine amino acid residue is found in multiple mammalian species, which suggests that this missense change does not adversely affect protein function. In summary, the available evidence is currently insufficient to determine the role of this variant in disease. Therefore, it has been classified as a Variant of Uncertain Significance.

Ambry Genetics
Classification: Uncertain significance for Inborn genetic diseases. Last evaluated: 2025-10-02. Review status: criteria provided, single submitter. Criteria: Ambry Variant Classification Scheme 2023. Collection method: clinical testing. Allele origin: germline.

Fulgent Genetics
Classification: Uncertain significance for Renal tubular dysgenesis of genetic origin; Familial juvenile hyperuricemic nephropathy type 2. Last evaluated: 2024-05-24. Review status: criteria provided, single submitter. Criteria: ACMG Guidelines, 2015. Collection method: clinical testing. Allele origin: germline.

NM_000537.4(REN):c.26G>A (p.Arg9His)

Genes: REN (renin; minus strand), LOC107548112 (REN promoter and enhancer region; plus strand). Cytogenetic location: 1q32.1.
Variant type: single nucleotide variant.
Coding change: c.26G>A on transcript NM_000537.4 (MANE Select); coding-DNA position 26, G replaced by A.
Protein change: p.Arg9His; replaces arginine 9 with histidine.
Molecular consequence: missense variant.
Genome position (GRCh38, 1-based): chr1:204,166,268, C>T on the plus strand (G>A on the coding strand, the complement: REN is on the minus strand). VCF-style: chr1-204166268-C-T. GRCh37 (hg19) VCF-style: chr1-204135396-C-T.
Other names: c.26G>A (NM_000537.3); short protein forms R9H.
Identifiers: ClinVar variation 1987903 (VCV001987903.6), dbSNP rs777899883, ClinGen allele CA1345086.
Genomic context (GRCh38, chr1:204,166,268, plus strand): 5'-GTGGTGTCTGTCGGGAGACCAAAGGTACAGGAGCCCCAGAGCAGCAGCAGCAGTCCCCAG[C>T]GAGGCATCCTTCTCCATCCATCCATGCTTCCCTCAGTCTGGGGCTCTCTCTGAGATCCAC-3'
Protein context (NP_000528.1, residues 1-19): MDGWRRMP[Arg9His]WGLLLLLWGS